The following is an entry in ClinVar:

NM_015272.5(RPGRIP1L):c.394A>C (p.Arg132=)

Gene: RPGRIP1L (RPGRIP1 like; minus strand). Cytogenetic location: 16q12.2.
Variant type: single nucleotide variant.
Coding change: c.394A>C on transcript NM_015272.5 (MANE Select); coding-DNA position 394, A replaced by C.
Protein change: p.Arg132=; no amino-acid change (arginine 132 retained).
Molecular consequence: synonymous variant.
Genome position (GRCh38, 1-based): chr16:53,692,201, T>G on the plus strand (A>C on the coding strand, the complement: RPGRIP1L is on the minus strand). VCF-style: chr16-53692201-T-G. GRCh37 (hg19) VCF-style: chr16-53726113-T-G.
Other names: c.394A>C, p.Arg132= (NM_001127897.4, NM_001308334.3, NM_001330538.2).
Identifiers: ClinVar variation 3353563 (VCV003353563.1).

ClinVar aggregate classification (germline): Likely benign (0 of 4 stars; one submission).

Conditions:
RPGRIP1L-related disorder. Also called: RPGRIP1L-related condition; RPGRIP1L-related disorders. Identifiers: MedGen CN239416.

Submission:

PreventionGenetics, part of Exact Sciences
Classification: Likely benign for RPGRIP1L-related condition. Last evaluated: 2022-06-16. Review status: no assertion criteria provided. Collection method: clinical testing. Allele origin: germline.
Comment: This variant is classified as likely benign based on ACMG/AMP sequence variant interpretation guidelines (Richards et al. 2015 PMID: 25741868, with internal and published modifications).